The following is an entry in ClinVar:

NM_000222.3(KIT):c.757-2A>T

Gene: KIT (KIT proto-oncogene, receptor tyrosine kinase; plus strand). Cytogenetic location: 4q12.
Variant type: single nucleotide variant.
Coding change: c.757-2A>T on transcript NM_000222.3 (MANE Select); the canonical splice acceptor site of the intron before coding-DNA position 757, A replaced by T.
Molecular consequence: splice acceptor variant. On other transcripts: missense variant (4).
Genome position (GRCh38, 1-based): chr4:54,703,722, A>T. VCF-style: chr4-54703722-A-T. GRCh37 (hg19) VCF-style: chr4-55569888-A-T.
Other names: c.758A>T, p.Gln253Leu (NM_001385284.1, NM_001385288.1, NM_001385290.1 and 1 more transcripts); c.757-2A>T (NM_001385285.1, NM_001093772.2, NM_001385286.1); short protein forms Q253L.
Identifiers: ClinVar variation 2770541 (VCV002770541.3), dbSNP rs2475469075, ClinGen allele CA356899212.

ClinVar aggregate classification (germline): Likely pathogenic (1 of 4 stars; one submission).

Conditions:
Gastrointestinal stromal tumor. Also called: Gastrointestinal stromal tumor, somatic; Gastrointestinal stroma tumor. Identifiers: Orphanet 44890, MedGen C0238198, MeSH D046152, MONDO:0011719, OMIM 606764, HP:0100723.

Allele frequency attached by ClinVar (database versions not stated): gnomAD exomes below 0.00001.
gnomAD v4.1: 4 of 1,612,714 alleles (0.00025%); highest among the groups gnomAD compares: Non-Finnish European, 0.00034%; no homozygotes.

Submission:

Labcorp Genetics (formerly Invitae), Labcorp
Classification: Likely pathogenic for Gastrointestinal stromal tumor. Last evaluated: 2023-10-22. Review status: criteria provided, single submitter. Criteria: Invitae Variant Classification Sherloc (09022015). Collection method: clinical testing. Allele origin: germline.
Comment: This sequence change affects an acceptor splice site in intron 4 of the KIT gene. It is expected to disrupt RNA splicing. Variants that disrupt the donor or acceptor splice site typically lead to a loss of protein function (PMID: 16199547), and loss-of-function variants in KIT are known to be pathogenic (PMID: 15194144). This variant is not present in population databases (gnomAD no frequency). This variant has not been reported in the literature in individuals affected with KIT-related conditions. Algorithms developed to predict the effect of sequence changes on RNA splicing suggest that this variant may disrupt the consensus splice site. In summary, the currently available evidence indicates that the variant is pathogenic, but additional data are needed to prove that conclusively. Therefore, this variant has been classified as Likely Pathogenic.

Literature cited by the submitters: PubMed 16199547; PubMed 15194144.